The following is an entry in ClinVar:

ClinVar aggregate classification (germline): Uncertain significance. Review status: reviewed by expert panel (3 of 4 stars). 4 submissions from 4 submitters: Uncertain significance (1). 3 of the submissions do not count toward it. Last evaluated 2025-05-02.

Conditions:
Inborn genetic diseases. Identifiers: MedGen C0950123, MeSH D030342.
RUNX1-related disorder. Also called: RUNX1-related condition.
Hereditary thrombocytopenia and hematological cancer predisposition syndrome associated with RUNX1. Also called: Familial Platelet Disorder with Propensity to Acute Myelogenous Leukemia; Familial thrombocytopenia with propensity to acute myelogenous leukemia; PLATELET DISORDER, ASPIRIN-LIKE; RUNX1 Familial Platelet Disorder with Associated Myeloid Malignancies. Identifiers: Orphanet 71290, MedGen C1832388, MeSH C563324, MONDO:0100083, OMIM 601399.
Hereditary thrombocytopenia and hematologic cancer predisposition syndrome. Identifiers: Orphanet 71290, MedGen CN281654, MONDO:0011071.

Allele frequency attached by ClinVar (database versions not stated): TOPMed below 0.00001; gnomAD 0.00001.
gnomAD v4.1: 1 of 1,578,904 alleles (0.000063%); highest among the groups gnomAD compares: Admixed American, 0.0018%; no homozygotes.

Submissions (4):

ClinGen Myeloid Malignancy Variant Curation Expert Panel
Classification: Uncertain significance for Hereditary thrombocytopenia and hematologic cancer predisposition syndrome. Last evaluated: 2025-05-02. Review status: reviewed by expert panel. Criteria: ClinGen MyeloMalig ACMG Specifications v2. Collection method: curation. Allele origin: germline. Inheritance: Autosomal dominant inheritance.
Comment: NM_001754.5(RUNX1): c.1123A>C (p.Thr375Pro) is a missense variant which does not meet any ACMG/AMP codes. In summary, the clinical significance of this variant is uncertain. ACMG/AMP criteria applied, as specified by the Myeloid Malignancy Variant Curation Expert Panel for RUNX1: None

Ambry Genetics
Classification: Uncertain significance for Inborn genetic diseases. Last evaluated: 2025-12-03. Review status: criteria provided, single submitter. Criteria: Ambry Variant Classification Scheme 2023. Collection method: clinical testing. Allele origin: germline. Not counted in ClinVar's aggregate classification.
Comment: The p.T375P variant (also known as c.1123A>C), located in coding exon 8 of the RUNX1 gene, results from an A to C substitution at nucleotide position 1123. The threonine at codon 375 is replaced by proline, an amino acid with highly similar properties. This amino acid position is conserved. In addition, this alteration is predicted to be deleterious by in silico analysis. Based on the available evidence, the clinical significance of this variant remains unclear.

PreventionGenetics, part of Exact Sciences
Classification: Uncertain significance for RUNX1-related condition. Last evaluated: 2024-12-09. Review status: criteria provided, single submitter. Criteria: ACMG Guidelines, 2015. Collection method: clinical testing. Allele origin: germline. Not counted in ClinVar's aggregate classification.
Comment: The RUNX1 c.1123A>C variant is predicted to result in the amino acid substitution p.Thr375Pro. To our knowledge, this variant has not been reported in the literature or in a large population database (gnomAD), indicating this variant is rare. At this time, the clinical significance of this variant is uncertain due to the absence of conclusive functional and genetic evidence.

Labcorp Genetics (formerly Invitae), Labcorp
Classification: Uncertain significance for Hereditary thrombocytopenia and hematological cancer predisposition syndrome associated with RUNX1. Last evaluated: 2020-04-16. Review status: criteria provided, single submitter. Criteria: Invitae Variant Classification Sherloc (09022015). Collection method: clinical testing. Allele origin: germline. Not counted in ClinVar's aggregate classification.
Comment: This sequence change replaces threonine with proline at codon 375 of the RUNX1 protein (p.Thr375Pro). The threonine residue is weakly conserved and there is a small physicochemical difference between threonine and proline. This variant is not present in population databases (ExAC no frequency). In summary, the available evidence is currently insufficient to determine the role of this variant in disease. Therefore, it has been classified as a Variant of Uncertain Significance. Algorithms developed to predict the effect of missense changes on protein structure and function (SIFT, PolyPhen-2, Align-GVGD) all suggest that this variant is likely to be tolerated, but these predictions have not been confirmed by published functional studies and their clinical significance is uncertain. This variant has not been reported in the literature in individuals with RUNX1-related conditions.

NM_001754.5(RUNX1):c.1123A>C (p.Thr375Pro)

Gene: RUNX1 (RUNX family transcription factor 1; minus strand). Cytogenetic location: 21q22.12.
Variant type: single nucleotide variant.
Coding change: c.1123A>C on transcript NM_001754.5 (MANE Select); coding-DNA position 1123, A replaced by C.
Protein change: p.Thr375Pro; replaces threonine 375 with proline.
Molecular consequence: missense variant.
Genome position (GRCh38, 1-based): chr21:34,792,455, T>G on the plus strand (A>C on the coding strand, the complement: RUNX1 is on the minus strand). VCF-style: chr21-34792455-T-G. GRCh37 (hg19) VCF-style: chr21-36164752-T-G.
Other names: NM_001754.5(RUNX1):c.1123A>C; p.Thr375Pro; c.1042A>C, p.Thr348Pro (NM_001001890.3); short protein forms T375P, T348P.
Identifiers: ClinVar variation 837414 (VCV000837414.13), dbSNP rs2056456909, ClinGen allele CA410148042.